The following is an entry in ClinVar:

NM_177438.3(DICER1):c.2650+3A>G

Gene: DICER1 (dicer 1, ribonuclease III; minus strand). Cytogenetic location: 14q32.13.
Variant type: single nucleotide variant.
Coding change: c.2650+3A>G on transcript NM_177438.3 (MANE Select); 3 bases into the intron after coding-DNA position 2650, A replaced by G.
Molecular consequence: intron variant.
Genome position (GRCh38, 1-based): chr14:95,107,877, T>C on the plus strand (A>G on the coding strand, the complement: DICER1 is on the minus strand). VCF-style: chr14-95107877-T-C. GRCh37 (hg19) VCF-style: chr14-95574214-T-C.
Other names: c.2650+3A>G (NM_001291628.2, NM_030621.4, NM_001395677.1 and 12 more transcripts); c.2245+3A>G (NM_001395690.1, NM_001395687.1, NM_001395689.1 and 2 more transcripts); c.2368+3A>G (NM_001395686.1); c.2083+3A>G (NM_001395691.1); c.967+3A>G (NM_001395697.1).
Identifiers: ClinVar variation 3691849 (VCV003691849.2).

ClinVar aggregate classification (germline): Uncertain significance (1 of 4 stars; one submission).

Conditions:
DICER1-related tumor predisposition. Also called: DICER1-related pleuropulmonary blastoma cancer predisposition syndrome; DICER1 syndrome. Identifiers: Orphanet 284343, MedGen C3839822, MONDO:0100216.

gnomAD v4.1: 1 of 1,613,236 alleles (0.000062%); highest among the groups gnomAD compares: Non-Finnish European, 0.000085%; no homozygotes.

Submission:

Labcorp Genetics (formerly Invitae), Labcorp
Classification: Uncertain significance for DICER1-related tumor predisposition. Last evaluated: 2024-02-02. Review status: criteria provided, single submitter. Criteria: Invitae Variant Classification Sherloc (09022015). Collection method: clinical testing. Allele origin: germline.
Comment: This sequence change falls in intron 16 of the DICER1 gene. It does not directly change the encoded amino acid sequence of the DICER1 protein. It affects a nucleotide within the consensus splice site. This variant is not present in population databases (gnomAD no frequency). This variant has not been reported in the literature in individuals affected with DICER1-related conditions. Variants that disrupt the consensus splice site are a relatively common cause of aberrant splicing (PMID: 17576681, 9536098). Studies have shown that this variant is associated with inconclusive levels of altered splicing (Invitae). In summary, the available evidence is currently insufficient to determine the role of this variant in disease. Therefore, it has been classified as a Variant of Uncertain Significance.

Literature cited by the submitters: PubMed 17576681; PubMed 9536098.